The following is an entry in ClinVar:

NM_001009944.3(PKD1):c.1385+13del

Gene: PKD1 (polycystin 1, transient receptor potential channel interacting; minus strand). Cytogenetic location: 16p13.3.
Variant type: Deletion.
Coding change: c.1385+13del on transcript NM_001009944.3 (MANE Select); 13 bases into the intron after coding-DNA position 1385, one base deleted (A; older notation c.1385+13delA).
Molecular consequence: intron variant.
Genome position (GRCh38, 1-based): chr16:2,117,476, T deleted on the plus strand (A on the coding strand, the reverse complement: PKD1 is on the minus strand). VCF-style (leftmost placement, unchanged base first): chr16-2117475-GT-G. GRCh37 (hg19) VCF-style: chr16-2167476-GT-G.
Other names: c.1385+13del (NM_000296.4).
Identifiers: ClinVar variation 997107 (VCV000997107.1), dbSNP rs2092658494, ClinGen allele CA2202051722.

ClinVar aggregate classification (germline): Uncertain significance (0 of 4 stars; one submission).

Conditions:
Polycystic kidney disease. Also called: Polycystic kidney dysplasia; Kidney, Polycystic. Identifiers: MedGen C0022680, MeSH D007690, MONDO:0020642, HP:0000113.

Submission:

Department of Pathology and Laboratory Medicine, Sinai Health System
Classification: Uncertain significance for Polycystic Kidney disease. Review status: no assertion criteria provided. Collection method: clinical testing. Allele origin: unknown. Affected: yes. Study: The Canadian Open Genetics Repository (COGR).
Comment: The PKD1 c.1385+13del variant was not identified in the literature nor was it identified in the dbSNP, ClinVar, LOVD 3.0, ADPKD Mutation Database, or PKD1-LOVD databases. The variant was not identified in the following control databases: the Exome Aggregation Consortium (August 8th 2016), or the Genome Aggregation Database (Feb 27, 2017). The variant occurs outside of the splicing consensus sequence and 1 of 4 in silico or computational prediction software programs (SpliceSiteFinder, MaxEntScan, NNSPLICE, GeneSplicer) predict a greater than 10% difference in splicing; this is not very predictive of pathogenicity. In summary, based on the above information the clinical significance of this variant cannot be determined with certainty at this time. This variant is classified as a variant of uncertain significance.